The following is an entry in ClinVar:

Single allele

Gene: LOC121048732 (Sharpr-MPRA regulatory region 12272; plus strand). Cytogenetic location: 3q29.
Variant type: Deletion.
Identifiers: ClinVar variation 156905 (VCV000156905.2).

ClinVar aggregate classification (germline): not provided (0 of 4 stars; one submission).

Conditions:
Gestational diabetes mellitus uncontrolled. Identifiers: MedGen C3532257.

Submission:

Institute of Molecular and Cell Biology, University of Tartu
No classification provided. Condition: Gestational diabetes mellitus uncontrolled. Review status: no classification provided. Collection method: case-control. Allele origin: unknown. Affected: yes. Study: Kasak2014.
Comment: The study aimed to determine the contribution of copy number variants in the genetic etiology of normal and complicated pregnancies. The samples represented (i) maternal blood DNA drawn from healthy pregnant women during 1st or 2nd trimester and (ii) maternal and paternal blood DNA drawn at term pregnancy cases representing normal and complicated gestations (severe preeclampsia, PE; gestational diabetes, GD; small-for-gestational age newborn, SGA; large-for-gestational age newborn, LGA). We performed CNV calling based on genome-wide genotyping dataset (Illumina HumanOmniExpress-24-v1 BeadChip) by applying three algorithms, QuantiSNP, GADA (Genome Alteration Detection Algorithm) and CNstream in parallel. The acquired CNV calls were merged with HD-CNV (Hotspot Detector for Copy Number Variants) program and only the CNVs predicted by at least two programs, were considered in subsequent analysis.

Literature cited by the submitters: PubMed 25666259.